The following is an entry in ClinVar:

NM_007294.4(BRCA1):c.2738A>C (p.Asn913Thr)

Gene: BRCA1 (BRCA1 DNA repair associated; minus strand). Cytogenetic location: 17q21.31.
Variant type: single nucleotide variant.
Coding change: c.2738A>C on transcript NM_007294.4 (MANE Select); coding-DNA position 2738, A replaced by C.
Protein change: p.Asn913Thr; replaces asparagine 913 with threonine.
Molecular consequence: missense variant. On other transcripts: intron variant (137).
Genome position (GRCh38, 1-based): chr17:43,092,793, T>G on the plus strand (A>C on the coding strand, the complement: BRCA1 is on the minus strand). VCF-style: chr17-43092793-T-G. GRCh37 (hg19) VCF-style: chr17-41244810-T-G.
Other names: c.707-1761A>C (NM_001408416.1, NM_001408413.1); c.2735A>C, p.Asn912Thr (NM_001407638.1, NM_001407644.1, NM_001407645.1 and 22 more transcripts); c.2738A>C, p.Asn913Thr (NM_001407639.1, NM_001407640.1, NM_001407641.1 and 30 more transcripts); c.578-1761A>C (NM_001408484.1, NM_001408478.1, NM_001408481.1 and 9 more transcripts); c.662-1761A>C (NM_001408450.1, NM_001408434.1, NM_001408446.1 and 6 more transcripts); c.785-1761A>C (NM_001408398.1, NM_001407992.1, NM_001408397.1 and 13 more transcripts); c.788-1761A>C (NM_007298.4, NM_001407981.1, NM_001407980.1 and 17 more transcripts); c.665-1761A>C (NM_001408428.1, NM_001408440.1, NM_001408436.1 and 12 more transcripts); and 41 more; short protein forms N745T, N786T, N802T, N825T, N865T, N824T, N842T, N843T.
Identifiers: ClinVar variation 2765149 (VCV002765149.3), dbSNP rs199954851, ClinGen allele CA10596514.
Genomic context (GRCh38, chr17:43,092,793, plus strand): 5'-CCAACCACAGGAAAGCCTGCAGTGATATTAACTGTCTGTACAGGCTTGATATTAGACTCA[T>G]TCTTTCCTTGATTTTCTTCCTTTTGTTCACATTCAAAAGTGACTTTTGGACTTTGTTTCT-3'
Protein context (NP_009225.1, residues 903-923): CEQKEENQGK[Asn913Thr]ESNIKPVQTV

ClinVar aggregate classification (germline): Uncertain significance (1 of 4 stars; one submission).

Conditions:
Hereditary breast ovarian cancer syndrome. Also called: Hereditary breast and ovarian cancer syndrome; Hereditary breast and/or ovarian cancer syndrome; BRCA1- and BRCA2-Associated Hereditary Breast and Ovarian Cancer; Hereditary breast and ovarian cancer; Breast and ovarian cancer; Hereditary breast and ovarian cancer syndrome (HBOC). Identifiers: Orphanet 145, MedGen C0677776, MeSH D061325, MONDO:0003582. Disease mechanism: loss of function.

Submission:

Labcorp Genetics (formerly Invitae), Labcorp
Classification: Uncertain significance for Hereditary breast ovarian cancer syndrome. Last evaluated: 2023-10-09. Review status: criteria provided, single submitter. Criteria: Invitae Variant Classification Sherloc (09022015). Collection method: clinical testing. Allele origin: germline.
Comment: This sequence change replaces asparagine, which is neutral and polar, with threonine, which is neutral and polar, at codon 913 of the BRCA1 protein (p.Asn913Thr). This variant is not present in population databases (gnomAD no frequency). This variant has not been reported in the literature in individuals affected with BRCA1-related conditions. Advanced modeling of protein sequence and biophysical properties (such as structural, functional, and spatial information, amino acid conservation, physicochemical variation, residue mobility, and thermodynamic stability) performed at Invitae indicates that this missense variant is not expected to disrupt BRCA1 protein function. In summary, the available evidence is currently insufficient to determine the role of this variant in disease. Therefore, it has been classified as a Variant of Uncertain Significance.